The following is an entry in ClinVar:

NM_017617.5(NOTCH1):c.5273G>A (p.Arg1758His)

Gene: NOTCH1 (notch receptor 1; minus strand). Cytogenetic location: 9q34.3.
Variant type: single nucleotide variant.
Coding change: c.5273G>A on transcript NM_017617.5 (MANE Select); coding-DNA position 5273, G replaced by A.
Protein change: p.Arg1758His; replaces arginine 1758 with histidine.
Molecular consequence: missense variant.
Genome position (GRCh38, 1-based): chr9:136,502,383, C>T on the plus strand (G>A on the coding strand, the complement: NOTCH1 is on the minus strand). VCF-style: chr9-136502383-C-T. GRCh37 (hg19) VCF-style: chr9-139396835-C-T.
Other names: c.5273G>A, p.Arg1758His (LRG_1122t1); c.5273G>A (NM_017617.4); short protein forms R1758H.
Identifiers: ClinVar variation 650654 (VCV000650654.20), dbSNP rs373841359, ClinGen allele CA5340339.
Genomic context (GRCh38, chr9:136,502,383, plus strand): 5'-GCCTCAGACACTTTGAAGCCCTCAGGGAACCAGAGCTGGCCATGCTGCCGCCGGCGCTTG[C>T]GGGACAGCAGCACCCCGCAGCCCACGAAGAACAGAAGCACAAAGGCGGCCGCCGCCACGT-3'
Protein context (NP_060087.3, residues 1748-1768): FFVGCGVLLS[Arg1758His]KRRRQHGQLW

ClinVar aggregate classification (germline): Conflicting classifications of pathogenicity. Review status: criteria provided, conflicting classifications (1 of 4 stars). 8 submissions from 7 submitters: Uncertain significance (2); Likely benign (6). Last evaluated 2025-11-10.

Conditions:
NOTCH1-related disorder. Also called: NOTCH1-related condition; NOTCH1-related disorders.
Familial thoracic aortic aneurysm and aortic dissection (TAAD). Also called: Thoracic aortic aneurysms and dissections. Identifiers: Orphanet 91387, MedGen C4707243, MONDO:0019625.
Aortic valve disease 1 (AOVD1). Identifiers: MedGen C3887892, MONDO:0024523, OMIM 109730.
Adams-Oliver syndrome 5 (AOS5). Identifiers: Orphanet 974, MedGen C4014970, MONDO:0014459, OMIM 616028.

Allele frequency attached by ClinVar (database versions not stated): gnomAD 0.00011; ExAC 0.00012; gnomAD exomes 0.00012 and 0.00015; TOPMed 0.00012; ESP Exome Variant Server 0.00008.
gnomAD v4.1: 189 of 1,612,088 alleles (0.012%); highest among the groups gnomAD compares: Admixed American, 0.057%; no homozygotes.

Submissions (8):

Labcorp Genetics (formerly Invitae), Labcorp
Classification: Likely benign for Adams-Oliver syndrome 5. Last evaluated: 2025-11-10. Review status: criteria provided, single submitter. Criteria: Invitae Variant Classification Sherloc (09022015). Collection method: clinical testing. Allele origin: germline.

PreventionGenetics, part of Exact Sciences
Classification: Likely benign for NOTCH1-related condition. Last evaluated: 2025-07-22. Review status: criteria provided, single submitter. Criteria: ACMG Guidelines, 2015. Collection method: clinical testing. Allele origin: germline.
Comment: This variant is classified as likely benign based on ACMG/AMP sequence variant interpretation guidelines (Richards et al. 2015 PMID: 25741868, with internal and published modifications).

Blueprint Genetics
Classification: Likely benign. Last evaluated: 2024-10-16. Review status: criteria provided, single submitter. Criteria: ACMG Guidelines, 2015. Collection method: clinical testing. Allele origin: germline.

Ambry Genetics
Classification: Uncertain significance for Familial thoracic aortic aneurysm and aortic dissection. Last evaluated: 2024-07-01. Review status: criteria provided, single submitter. Criteria: Ambry Variant Classification Scheme 2023. Collection method: clinical testing. Allele origin: germline.
Comment: The p.R1758H variant (also known as c.5273G>A), located in coding exon 28 of the NOTCH1 gene, results from a G to A substitution at nucleotide position 5273. The arginine at codon 1758 is replaced by histidine, an amino acid with highly similar properties. This amino acid position is highly conserved in available vertebrate species. In addition, the in silico prediction for this alteration is inconclusive. Since supporting evidence is limited at this time, the clinical significance of this alteration remains unclear.

GeneDx
Classification: Uncertain significance. Last evaluated: 2022-12-05. Review status: criteria provided, single submitter. Criteria: GeneDx Variant Classification Process June 2021. Collection method: clinical testing. Allele origin: germline. Affected: yes.
Comment: In silico analysis supports that this missense variant has a deleterious effect on protein structure/function; Has not been previously published as pathogenic or benign to our knowledge

Genome-Nilou Lab
Classification: Likely benign for Adams-Oliver syndrome 5. Last evaluated: 2022-03-15. Review status: criteria provided, single submitter. Criteria: ACMG Guidelines, 2015. Collection method: clinical testing. Allele origin: germline. Affected: no.

Genome-Nilou Lab
Classification: Likely benign for Aortic valve disease 1. Last evaluated: 2022-03-15. Review status: criteria provided, single submitter. Criteria: ACMG Guidelines, 2015. Collection method: clinical testing. Allele origin: germline. Affected: no.

CHEO Genetics Diagnostic Laboratory, Children's Hospital of Eastern Ontario
Classification: Likely benign for Familial thoracic aortic aneurysm and aortic dissection. Last evaluated: 2018-03-27. Review status: criteria provided, single submitter. Criteria: ACMG Guidelines, 2015. Collection method: clinical testing. Allele origin: germline.